The following is an entry in ClinVar:

NM_001267550.2(TTN):c.42169G>A (p.Ala14057Thr)

Gene: TTN (titin; minus strand). Cytogenetic location: 2q31.2.
Variant type: single nucleotide variant.
Coding change: c.42169G>A on transcript NM_001267550.2 (MANE Select); coding-DNA position 42169, G replaced by A.
Protein change: p.Ala14057Thr; replaces alanine 14057 with threonine.
Molecular consequence: missense variant.
Genome position (GRCh38, 1-based): chr2:178,634,612, C>T on the plus strand (G>A on the coding strand, the complement: TTN is on the minus strand). VCF-style: chr2-178634612-C-T. GRCh37 (hg19) VCF-style: chr2-179499339-C-T.
Other names: c.37246G>A, p.Ala12416Thr (NM_001256850.1); c.14974G>A, p.Ala4992Thr (NM_003319.4); c.34465G>A, p.Ala11489Thr (NM_133378.4); c.15349G>A, p.Ala5117Thr (NM_133432.3); c.15550G>A, p.Ala5184Thr (NM_133437.4); short protein forms A11489T, A14057T, A12416T, A5117T, A5184T, A4992T.
Identifiers: ClinVar variation 4989100 (VCV004989100.1).
Genomic context (GRCh38, chr2:178,634,612, plus strand): 5'-GGACACATTCGAATCGAGCCTGTCGCCTTTCTGGAACAGTGACATCCTTCAGGGGCACAG[C>T]AAAGTCAAGTTCGATTTCTGAAAATCAGACATTAAGAATGAGGCTTTTCAGAATGCACAG-3'
Protein context (NP_001254479.2, residues 14047-14067): LTVKEIELDF[Ala14057Thr]VPLKDVTVPE

ClinVar aggregate classification (germline): Uncertain significance (1 of 4 stars; one submission).

Conditions:
TTN-related disorder. Also called: TTN-related disorders; TTN-related condition; TTN-related disease.

gnomAD v4.1: 12 of 1,613,222 alleles (0.00074%); highest among the groups gnomAD compares: Non-Finnish European, 0.00093%; no homozygotes.

Submission:

PreventionGenetics, part of Exact Sciences
Classification: Uncertain significance for TTN-related condition. Last evaluated: 2025-04-03. Review status: criteria provided, single submitter. Criteria: ACMG Guidelines, 2015. Collection method: clinical testing. Allele origin: germline.
Comment: The TTN c.42169G>A variant is predicted to result in the amino acid substitution p.Ala14057Thr. To our knowledge, this variant has not been reported in the literature. This variant is reported in 0.0033% of alleles in individuals of South Asian descent in gnomAD. At this time, the clinical significance of this variant is uncertain due to the absence of conclusive functional and genetic evidence.